The following is an entry in ClinVar:

ClinVar aggregate classification (germline): Uncertain significance (1 of 4 stars; one submission).

Conditions:
PKD1L1-related disorder. Also called: PKD1L1-related condition.

Submission:

PreventionGenetics, part of Exact Sciences
Classification: Uncertain significance for PKD1L1-related condition. Last evaluated: 2025-11-30. Review status: criteria provided, single submitter. Criteria: ACMG Guidelines, 2015. Collection method: clinical testing. Allele origin: germline.
Comment: The PKD1L1 c.7150G>A variant is predicted to result in the amino acid substitution p.Val2384Ile. To our knowledge, this variant has not been reported in the literature or in a large population database (gnomAD), indicating this variant is rare. At this time, the clinical significance of this variant is uncertain due to the absence of conclusive functional and genetic evidence.

NM_138295.5(PKD1L1):c.7150G>A (p.Val2384Ile)

Genes: PKD1L1 (polycystin 1 like 1, transient receptor potential channel interacting; minus strand), PKD1L1-AS1 (PKD1L1 antisense RNA 1; plus strand). Cytogenetic location: 7p12.3.
Variant type: single nucleotide variant.
Coding change: c.7150G>A on transcript NM_138295.5 (MANE Select); coding-DNA position 7150, G replaced by A.
Protein change: p.Val2384Ile; replaces valine 2384 with isoleucine.
Molecular consequence: missense variant.
Genome position (GRCh38, 1-based): chr7:47,813,954, C>T on the plus strand (G>A on the coding strand, the complement: PKD1L1 is on the minus strand). VCF-style: chr7-47813954-C-T. GRCh37 (hg19) VCF-style: chr7-47853552-C-T.
Other names: short protein forms V2384I.
Identifiers: ClinVar variation 4995595 (VCV004995595.1).